The following is an entry in ClinVar:

NM_000493.4(COL10A1):c.1098A>C (p.Pro366=)

Genes: COL10A1 (collagen type X alpha 1 chain; minus strand), NT5DC1 (5'-nucleotidase domain containing 1; plus strand). Cytogenetic location: 6q22.1.
Variant type: single nucleotide variant.
Coding change: c.1098A>C on transcript NM_000493.4 (MANE Select); coding-DNA position 1098, A replaced by C.
Protein change: p.Pro366=; no amino-acid change (proline 366 retained).
Molecular consequence: synonymous variant. On other transcripts: intron variant (1).
Genome position (GRCh38, 1-based): chr6:116,121,018, T>G on the plus strand (A>C on the coding strand, the complement: COL10A1 is on the minus strand). VCF-style: chr6-116121018-T-G. GRCh37 (hg19) VCF-style: chr6-116442181-T-G.
Other names: c.1098A>C, p.Pro366= (NM_001424106.1, NM_001424107.1); c.529+3073T>G (NM_152729.3).
Identifiers: ClinVar variation 1166809 (VCV001166809.11), dbSNP rs372512492, ClinGen allele CA3968253.

ClinVar aggregate classification (germline): Benign. Review status: criteria provided, single submitter (1 of 4 stars). 2 submissions from 2 submitters: Benign (1). 1 of the submissions does not count toward it. Last evaluated 2025-03-05.

Conditions:
COL10A1-related disorder. Also called: COL10A1-related condition.

Allele frequency attached by ClinVar (database versions not stated): TOPMed 0.00002; gnomAD 0.00010; gnomAD exomes 0.00024 and 0.00051; 1000 Genomes Project 30x 0.00047; ExAC 0.00059; 1000 Genomes Project 0.00060.
gnomAD v4.1: 369 of 1,614,024 alleles (0.023%); highest among the groups gnomAD compares: South Asian, 0.38%; 3 homozygotes.

Submissions (2):

Labcorp Genetics (formerly Invitae), Labcorp
Classification: Benign. Last evaluated: 2025-03-05. Review status: criteria provided, single submitter. Criteria: Invitae Variant Classification Sherloc (09022015). Collection method: clinical testing. Allele origin: germline.

PreventionGenetics, part of Exact Sciences
Classification: Likely benign for COL10A1-related condition. Last evaluated: 2021-01-26. Review status: no assertion criteria provided. Collection method: clinical testing. Allele origin: germline. Not counted in ClinVar's aggregate classification.
Comment: This variant is classified as likely benign based on ACMG/AMP sequence variant interpretation guidelines (Richards et al. 2015 PMID: 25741868, with internal and published modifications).